The following is an entry in ClinVar:

NM_022437.3(ABCG8):c.1495G>A (p.Gly499Arg)

Gene: ABCG8 (ATP binding cassette subfamily G member 8; plus strand). Cytogenetic location: 2p21.
Variant type: single nucleotide variant.
Coding change: c.1495G>A on transcript NM_022437.3 (MANE Select); coding-DNA position 1495, G replaced by A.
Protein change: p.Gly499Arg; replaces glycine 499 with arginine.
Molecular consequence: missense variant.
Genome position (GRCh38, 1-based): chr2:43,875,152, G>A. VCF-style: chr2-43875152-G-A. GRCh37 (hg19) VCF-style: chr2-44102291-G-A.
Other names: c.1492G>A, p.Gly498Arg (NM_001357321.2); short protein forms G499R, G498R.
Identifiers: ClinVar variation 291024 (VCV000291024.19), dbSNP rs368551459, ClinGen allele CA1637530.
Genomic context (GRCh38, chr2:43,875,152, plus strand): 5'-ATAATGGCAGTGAAGGTGCTGGCTTCATATCCTTGCAAGGGCTGTTCTTTGCAGATCCTC[G>A]GGGAGCTTCCGGAGCACTGTGCCTACATCATCATCTACGGGATGCCCACCTACTGGCTGG-3'
Protein context (NP_071882.1, residues 489-509): TGPYFFAKIL[Gly499Arg]ELPEHCAYII

ClinVar aggregate classification (germline): Uncertain significance. Review status: criteria provided, multiple submitters, no conflicts (2 of 4 stars). 8 submissions from 8 submitters: Uncertain significance (8). Last evaluated 2026-03-05.

Conditions:
Cardiovascular phenotype. Identifiers: MedGen CN230736.
Sitosterolemia 1. Identifiers: MedGen C2749759, MONDO:0020747, OMIM 210250.
Sitosterolemia (STSL). Also called: PHYTOSTEROLEMIA. Identifiers: Orphanet 2882, MedGen C0342907, MONDO:0008863.

Allele frequency attached by ClinVar (database versions not stated): gnomAD 0.00003; gnomAD exomes 0.00007 and 0.00011; ESP Exome Variant Server 0.00008; TOPMed 0.00008; ExAC 0.00012; 1000 Genomes Project 0.00020; 1000 Genomes Project 30x 0.00031.
gnomAD v4.1: 109 of 1,614,190 alleles (0.0068%); highest among the groups gnomAD compares: South Asian, 0.044%; no homozygotes.

Submissions (8):

Department of Cardiology, Mackay Memorial Hospital
Classification: Uncertain significance for Sitosterolemia. Last evaluated: 2026-03-05. Review status: criteria provided, single submitter. Criteria: ACMG Guidelines, 2015. Collection method: clinical testing. Allele origin: germline. Affected: yes.
Comment: The ABCG8 c.1495G>A (p.Gly499Arg; rs368551459; Accession: VCV000291024.17) variant is a missense alteration that replaces a highly conserved glycine residue with arginine at codon 499. It has been identified in population databases and reported in individuals with dyslipidemia, but a definitive association with ABCG8-related disease has not been established. Computational analyses predict a potentially deleterious effect on protein structure or function; however, direct functional and segregation evidence remains limited. Therefore, the available evidence is insufficient to establish pathogenicity, and this variant is classified as a variant of uncertain significance (VUS).

Women's Health and Genetics/Laboratory Corporation of America, LabCorp
Classification: Uncertain significance. Last evaluated: 2025-10-20. Review status: criteria provided, single submitter. Criteria: LabCorp Variant Classification Summary - May 2015. Collection method: clinical testing. Allele origin: germline.
Comment: Variant summary: ABCG8 c.1495G>A (p.Gly499Arg) results in a non-conservative amino acid change in the encoded protein sequence. Algorithms developed to predict the effect of missense changes on protein structure and function all suggest that this variant is likely to be disruptive. The variant allele was found at a frequency of 0.00011 in 249738 control chromosomes (gnomAD). This frequency is not significantly higher than estimated for disease-causing variants in ABCG8, allowing no conclusion about variant significance. c.1495G>A has been observed in individuals affected with coronary angiography, dyslipidemia and metabolic disorders (Dron_2020, Huang_2024). These reports do not provide unequivocal conclusions about association of the variant with Early Onset Coronary Artery Disease. To our knowledge, no experimental evidence demonstrating an impact on protein function has been reported. The following publications have been ascertained in the context of this evaluation (PMID: 32041611, 39512369). ClinVar contains an entry for this variant (Variation ID: 291024). Based on the evidence outlined above, the variant was classified as uncertain significance.

Ambry Genetics
Classification: Uncertain significance for Cardiovascular phenotype. Last evaluated: 2024-10-10. Review status: criteria provided, single submitter. Criteria: Ambry Variant Classification Scheme 2023. Collection method: clinical testing. Allele origin: germline.
Comment: The p.G499R variant (also known as c.1495G>A), located in coding exon 11 of the ABCG8 gene, results from a G to A substitution at nucleotide position 1495. The glycine at codon 499 is replaced by arginine, an amino acid with dissimilar properties. This amino acid position is highly conserved in available vertebrate species. In addition, this alteration is predicted to be deleterious by in silico analysis. Based on the available evidence, the clinical significance of this variant remains unclear.

Blueprint Genetics
Classification: Uncertain significance. Last evaluated: 2024-06-26. Review status: criteria provided, single submitter. Criteria: ACMG Guidelines, 2015. Collection method: clinical testing. Allele origin: germline.

Labcorp Genetics (formerly Invitae), Labcorp
Classification: Uncertain significance. Last evaluated: 2023-10-17. Review status: criteria provided, single submitter. Criteria: Invitae Variant Classification Sherloc (09022015). Collection method: clinical testing. Allele origin: germline.
Comment: This sequence change replaces glycine, which is neutral and non-polar, with arginine, which is basic and polar, at codon 499 of the ABCG8 protein (p.Gly499Arg). This variant is present in population databases (rs368551459, gnomAD 0.06%). This missense change has been observed in individual(s) with dyslipidemia (PMID: 32041611). ClinVar contains an entry for this variant (Variation ID: 291024). Advanced modeling of protein sequence and biophysical properties (such as structural, functional, and spatial information, amino acid conservation, physicochemical variation, residue mobility, and thermodynamic stability) performed at Invitae indicates that this missense variant is expected to disrupt ABCG8 protein function. In summary, the available evidence is currently insufficient to determine the role of this variant in disease. Therefore, it has been classified as a Variant of Uncertain Significance.

Illumina Laboratory Services, Illumina
Classification: Uncertain significance for Sitosterolemia 1. Last evaluated: 2018-04-20. Review status: criteria provided, single submitter. Criteria: ICSL Variant Classification Criteria 13 December 2019. Collection method: clinical testing. Allele origin: germline.

Eurofins Ntd Llc (ga)
Classification: Uncertain significance. Last evaluated: 2017-06-07. Review status: criteria provided, single submitter. Criteria: EGL Classification Definitions 2015. Collection method: clinical testing. Allele origin: germline. Observed: 3 variant alleles, 3 heterozygotes.

Breakthrough Genomics
Classification: Uncertain significance. Review status: criteria provided, single submitter. Criteria: ACMG Guidelines, 2015. Collection method: not provided. Allele origin: germline. Inheritance: Autosomal recessive inheritance. Affected: yes.

Literature cited by the submitters: PubMed 32041611 (cited by 3 submitters); PubMed 39512369 (cited by Department of Cardiology, Mackay Memorial Hospital and Women's Health and Genetics/Laboratory Corporation of America, LabCorp).